The following is an entry in ClinVar:

ClinVar aggregate classification (germline): Likely benign. Review status: criteria provided, multiple submitters, no conflicts (2 of 4 stars). 2 submissions from 2 submitters: Likely benign (2). Last evaluated 2025-06-05.

Submissions (2):

Women's Health and Genetics/Laboratory Corporation of America, LabCorp
Classification: Likely benign. Last evaluated: 2025-06-05. Review status: criteria provided, single submitter. Criteria: LabCorp Variant Classification Summary - May 2015. Collection method: clinical testing. Allele origin: germline.
Comment: Variant summary: SPTAN1 c.6577-10delT alters a nucleotide located at a position not widely known to affect splicing. Consensus agreement among computation tools predict no significant impact on normal splicing. However, these predictions have yet to be confirmed by functional studies. The variant was absent in 156494 control chromosomes (gnomAD). The available data on variant occurrences in the general population are insufficient to allow any conclusion about variant significance. To our knowledge, no occurrence of c.6577-10delT in individuals affected with Epileptic Encephalopathy, Early Infantile, 5 and no experimental evidence demonstrating its impact on protein function have been reported. ClinVar contains an entry for this variant (Variation ID: 421174). Based on the evidence outlined above, the variant was classified as likely benign.

GeneDx
Classification: Likely benign. Last evaluated: 2016-05-11. Review status: criteria provided, single submitter. Criteria: GeneDx Variant Classification (06012015). Collection method: clinical testing. Allele origin: germline. Affected: yes.
Comment: This variant is considered likely benign or benign based on one or more of the following criteria: it is a conservative change, it occurs at a poorly conserved position in the protein, it is predicted to be benign by multiple in silico algorithms, and/or has population frequency not consistent with disease.

NM_001130438.3(SPTAN1):c.6577-10del

Gene: SPTAN1 (spectrin alpha, non-erythrocytic 1; plus strand). Cytogenetic location: 9q34.11.
Variant type: Deletion.
Coding change: c.6577-10del on transcript NM_001130438.3 (MANE Select); 10 bases into the intron before coding-DNA position 6577, one base deleted (T; older notation c.6577-10delT).
Molecular consequence: intron variant.
Genome position (GRCh38, 1-based): chr9:128,627,376, T deleted; the last of 3 consecutive T bases (chr9:128,627,374-128,627,376); deleting any one gives the same sequence. VCF-style (leftmost placement, unchanged base first): chr9-128627373-CT-C. GRCh37 (hg19) VCF-style: chr9-131389652-CT-C.
Other names: c.6577-10del (NM_001363759.2); c.6562-10del (NM_003127.4); c.6517-10del (NM_001363765.2); c.6502-10del (NM_001195532.2); c.6577-10delT (NM_001130438.2, NM_001130438.3).
Identifiers: ClinVar variation 421174 (VCV000421174.2), dbSNP rs1064794959, ClinGen allele CA16618761.
Genomic context (GRCh38, chr9:128,627,373, plus strand): 5'-AGCCCATCTGTGAAGGAGGGGCTGGTGTCACTGCCACAGCAGCGCACAGCATCTGCCCCC[CT>C]TTGGCCCTCAGGAGAGGGAGCTGGAGCTGCAGAAGGAACAGCGGCGGCAGGAGGAGAACG-3'